The following is an entry in ClinVar:

ClinVar aggregate classification (germline): Uncertain significance. Review status: criteria provided, multiple submitters, no conflicts (2 of 4 stars). 2 submissions from 2 submitters: Uncertain significance (2). Last evaluated 2025-11-20.

Conditions:
Imerslund-Grasbeck syndrome. Also called: ENTEROCYTE COBALAMIN MALABSORPTION; ENTEROCYTE INTRINSIC FACTOR RECEPTOR, DEFECT OF; PERNICIOUS ANEMIA, JUVENILE, DUE TO SELECTIVE INTESTINAL MALABSORPTION OF VITAMIN B12, WITH PROTEINURIA; Megaloblastic anemia due to inborn errors of metabolism; Imerslund-Gräsbeck syndrome. Identifiers: Orphanet 35858, MedGen C4551825, MONDO:0009853.
Inborn genetic diseases. Identifiers: MedGen C0950123, MeSH D030342.

Submissions (2):

Ambry Genetics
Classification: Uncertain significance for Inborn genetic diseases. Last evaluated: 2025-11-20. Review status: criteria provided, single submitter. Criteria: Ambry Variant Classification Scheme 2023. Collection method: clinical testing. Allele origin: germline.

Labcorp Genetics (formerly Invitae), Labcorp
Classification: Uncertain significance for Imerslund-Grasbeck syndrome. Last evaluated: 2022-07-09. Review status: criteria provided, single submitter. Criteria: Invitae Variant Classification Sherloc (09022015). Collection method: clinical testing. Allele origin: germline.
Comment: This variant has not been reported in the literature in individuals affected with AMN-related conditions. This sequence change replaces alanine, which is neutral and non-polar, with valine, which is neutral and non-polar, at codon 400 of the AMN protein (p.Ala400Val). This variant is not present in population databases (gnomAD no frequency). Algorithms developed to predict the effect of missense changes on protein structure and function output the following: SIFT: "Tolerated"; PolyPhen-2: "Benign"; Align-GVGD: "Class C0". The valine amino acid residue is found in multiple mammalian species, which suggests that this missense change does not adversely affect protein function. In summary, the available evidence is currently insufficient to determine the role of this variant in disease. Therefore, it has been classified as a Variant of Uncertain Significance.

NM_030943.4(AMN):c.1199C>T (p.Ala400Val)

Gene: AMN (amnion associated transmembrane protein; plus strand). Cytogenetic location: 14q32.32.
Variant type: single nucleotide variant.
Coding change: c.1199C>T on transcript NM_030943.4 (MANE Select); coding-DNA position 1199, C replaced by T.
Protein change: p.Ala400Val; replaces alanine 400 with valine.
Molecular consequence: missense variant.
Genome position (GRCh38, 1-based): chr14:102,930,435, C>T. VCF-style: chr14-102930435-C-T. GRCh37 (hg19) VCF-style: chr14-103396772-C-T.
Other names: short protein forms A400V.
Identifiers: ClinVar variation 1987786 (VCV001987786.5), dbSNP rs894558374, ClinGen allele CA391083787.